The following is an entry in ClinVar:

ClinVar aggregate classification (germline): Likely pathogenic. Review status: criteria provided, multiple submitters, no conflicts (2 of 4 stars). 2 submissions from 2 submitters: Likely pathogenic (2). Last evaluated 2025-06-01.

Conditions:
von Willebrand disorder (VWD). Also called: von Willebrand's disease; von Willebrand Diseases; Von Willebrand disease (hereditary or acquired). Identifiers: MedGen C0042974, MeSH D014842, MONDO:0024574.
VWF-related disorder. Also called: VWF-related disorders; VWF-related condition.

gnomAD v4.1: 1 of 1,613,916 alleles (0.000062%); highest among the groups gnomAD compares: Non-Finnish European, 0.000085%; no homozygotes.

Submissions (2):

PreventionGenetics, part of Exact Sciences
Classification: Likely pathogenic for VWF-related condition. Last evaluated: 2025-06-01. Review status: criteria provided, single submitter. Criteria: ACMG Guidelines, 2015. Collection method: clinical testing. Allele origin: germline.
Comment: The VWF c.4205A>C variant is predicted to result in the amino acid substitution p.Gln1402Pro. This variant has been reported in the heterozygous state in multiple unrelated individuals with autosomal dominant von Willebrand disease (VWD) type 2M (Larsen et al. 2013. PubMed ID: 23496210; Flood et al. 2015. PubMed ID: 25662333; Veyradier et al. 2016. PubMed ID: 26986123). It has also been shown to co-segregate with disease in a family with VWD type 2M (Flood et al. 2012. PubMed ID: 22507569). Functional studies using plasma-derived and recombinant VWF with the p.Gln1402Pro variant have demonstrated that this variant leads to impaired platelet binding by disrupting interactions with glycoprotein Ib-alpha (GPIbα), type IV collagen, and type VI collagen (Flood et al. 2012. PubMed ID: 22507569; Larsen et al. 2013. PubMed ID: 23496210; Flood et al. 2015. PubMed ID: 25662333). This variant has not been reported in a large population database (gnomAD), indicating this variant is rare. Taken together, this variant is interpreted as likely pathogenic.

Women's Health and Genetics/Laboratory Corporation of America, LabCorp
Classification: Likely pathogenic for von Willebrand disorder. Last evaluated: 2024-08-07. Review status: criteria provided, single submitter. Criteria: LabCorp Variant Classification Summary - May 2015. Collection method: clinical testing. Allele origin: germline.
Comment: Variant summary: VWF c.4205A>C (p.Gln1402Pro) results in a non-conservative amino acid change located in the von Willebrand factor, type A domain (IPR002035) of the encoded protein sequence. Three of five in-silico tools predict a benign effect of the variant on protein function. The variant was absent in 251034 control chromosomes. c.4205A>C has been reported in the literature in individuals affected with Von Willebrand Disease (VWD), including a family with VWD type 2M in which the variant segregated with an autosomal dominant inheritance pattern (e.g. Flood_2012, Larsen_2013, Veyradier_2016). These data indicate that the variant may be associated with disease. Publications report experimental evidence evaluating an impact on protein function and found that the variant resulted in defective platelet binding and displayed a marked decrease in binding type VI collagen (e.g. Flood_2012, Larsen_2013). The following publications have been ascertained in the context of this evaluation (PMID: 23496210, 22507569, 26986123). No submitters have cited clinical-significance assessments for this variant to ClinVar. Based on the evidence outlined above, the variant was classified as likely pathogenic.

Literature cited by the submitters: PubMed 26986123 (cited by Women's Health and Genetics/Laboratory Corporation of America, LabCorp); PubMed 22507569 (cited by Women's Health and Genetics/Laboratory Corporation of America, LabCorp); PubMed 23496210 (cited by Women's Health and Genetics/Laboratory Corporation of America, LabCorp).

NM_000552.5(VWF):c.4205A>C (p.Gln1402Pro)

Gene: VWF (von Willebrand factor; minus strand). Cytogenetic location: 12p13.31.
Variant type: single nucleotide variant.
Coding change: c.4205A>C on transcript NM_000552.5 (MANE Select); coding-DNA position 4205, A replaced by C.
Protein change: p.Gln1402Pro; replaces glutamine 1402 with proline.
Molecular consequence: missense variant.
Genome position (GRCh38, 1-based): chr12:6,019,213, T>G on the plus strand (A>C on the coding strand, the complement: VWF is on the minus strand). VCF-style: chr12-6019213-T-G. GRCh37 (hg19) VCF-style: chr12-6128379-T-G.
Other names: c.4205A>C (NM_000552.4); short protein forms Q1402P.
Identifiers: ClinVar variation 3366451 (VCV003366451.2).